The following is an entry in ClinVar:

NM_001917.5(DAO):c.1034C>T (p.Ser345Phe)

Gene: DAO (D-amino acid oxidase; plus strand). Cytogenetic location: 12q24.11.
Variant type: single nucleotide variant.
Coding change: c.1034C>T on transcript NM_001917.5 (MANE Select); coding-DNA position 1034, C replaced by T.
Protein change: p.Ser345Phe; replaces serine 345 with phenylalanine.
Molecular consequence: missense variant. On other transcripts: 3 prime UTR variant (1).
Genome position (GRCh38, 1-based): chr12:108,900,525, C>T. VCF-style: chr12-108900525-C-T. GRCh37 (hg19) VCF-style: chr12-109294301-C-T.
Other names: c.1034C>T, p.Ser345Phe (NM_001413634.1); c.*160C>T (NM_001413635.1); c.1034C>T (NM_001917.4); short protein forms S345F.
Identifiers: ClinVar variation 2672518 (VCV002672518.24), dbSNP rs143732132, ClinGen allele CA6771323.

ClinVar aggregate classification (germline): Uncertain significance. Review status: criteria provided, single submitter (1 of 4 stars). 2 submissions from 2 submitters: Uncertain significance (1). 1 of the submissions does not count toward it. Last evaluated 2023-11-01.

Conditions:
DAO-related disorder. Also called: DAO-related condition.

Allele frequency attached by ClinVar (database versions not stated): 1000 Genomes Project 30x 0.00016; ExAC 0.00021; TOPMed 0.00022; ESP Exome Variant Server 0.00023; gnomAD 0.00023; gnomAD exomes 0.00028.

Submissions (2):

CeGaT Center for Human Genetics Tuebingen
Classification: Uncertain significance. Last evaluated: 2023-11-01. Review status: criteria provided, single submitter. Criteria: CeGaT Center For Human Genetics Tuebingen Variant Classification Criteria Version 2. Collection method: clinical testing. Allele origin: germline. Affected: yes. Observed: 1 variant allele.
Comment: DAO: PS3:Supporting, BP4

PreventionGenetics, part of Exact Sciences
Classification: Uncertain significance for DAO-related condition. Last evaluated: 2023-12-30. Review status: no assertion criteria provided. Collection method: clinical testing. Allele origin: germline. Not counted in ClinVar's aggregate classification.
Comment: The DAO c.1034C>T variant is predicted to result in the amino acid substitution p.Ser345Phe. This variant has been reported in a large cohort study of individuals with amyotrophic lateral sclerosis (Cady et al. 2015. PubMed ID: 25382069). A functional study using protein expression in cell culture found that this variants interferes with normal protein localization and activity (Chong et al. 2019. PubMed ID: 31533369). This variant is reported in 0.037% of alleles in individuals of European (Non-Finnish) descent in gnomAD. At this time, the clinical significance of this variant is uncertain due to the absence of conclusive functional and genetic evidence.